The following is an entry in ClinVar:

NM_018194.6(HHAT):c.1284C>T (p.His428=)

Gene: HHAT (hedgehog acyltransferase; plus strand). Cytogenetic location: 1q32.2.
Variant type: single nucleotide variant.
Coding change: c.1284C>T on transcript NM_018194.6 (MANE Select); coding-DNA position 1284, C replaced by T.
Protein change: p.His428=; no amino-acid change (histidine 428 retained).
Molecular consequence: synonymous variant.
Genome position (GRCh38, 1-based): chr1:210,623,564, C>T. VCF-style: chr1-210623564-C-T. GRCh37 (hg19) VCF-style: chr1-210796908-C-T.
Other names: c.1284C>T, p.His428= (NM_001122834.4, NM_001170580.3); c.873C>T, p.His291= (NM_001170564.3); c.1287C>T, p.His429= (NM_001170587.3); c.1089C>T, p.His363= (NM_001170588.3).
Identifiers: ClinVar variation 3041338 (VCV003041338.2), dbSNP rs117382486, ClinGen allele CA1379438.

ClinVar aggregate classification (germline): Likely benign (0 of 4 stars; one submission).

Conditions:
HHAT-related disorder. Also called: HHAT-related condition.

Allele frequency attached by ClinVar (database versions not stated): gnomAD exomes 0.00005; gnomAD 0.00007; TOPMed 0.00011; ExAC 0.00013; 1000 Genomes Project 30x 0.00016; 1000 Genomes Project 0.00020.
gnomAD v4.1: 89 of 1,614,070 alleles (0.0055%); highest among the groups gnomAD compares: East Asian, 0.067%; 1 homozygote.

Submission:

PreventionGenetics, part of Exact Sciences
Classification: Likely benign for HHAT-related condition. Last evaluated: 2019-06-05. Review status: no assertion criteria provided. Collection method: clinical testing. Allele origin: germline.
Comment: This variant is classified as likely benign based on ACMG/AMP sequence variant interpretation guidelines (Richards et al. 2015 PMID: 25741868, with internal and published modifications).